The following is an entry in ClinVar:

NM_003289.4(TPM2):c.563+15G>T

Gene: TPM2 (tropomyosin 2; minus strand). Cytogenetic location: 9p13.3.
Variant type: single nucleotide variant.
Coding change: c.563+15G>T on transcript NM_003289.4 (MANE Select); 15 bases into the intron after coding-DNA position 563, G replaced by T.
Molecular consequence: intron variant.
Genome position (GRCh38, 1-based): chr9:35,685,254, C>A on the plus strand (G>T on the coding strand, the complement: TPM2 is on the minus strand). VCF-style: chr9-35685254-C-A. GRCh37 (hg19) VCF-style: chr9-35685251-C-A.
Other names: c.563+15G>T (NM_213674.1, NM_001301226.2, NM_001301227.2).
Identifiers: ClinVar variation 2955874 (VCV002955874.3), dbSNP rs759495779, ClinGen allele CA5047324.

ClinVar aggregate classification (germline): Uncertain significance (1 of 4 stars; one submission).

Conditions:
Arthrogryposis, distal, type 1A. Also called: ARTHROGRYPOSIS MULTIPLEX CONGENITA, DISTAL, TYPE I. Identifiers: Orphanet 1146, MedGen C6022280, MONDO:0007157, OMIM 108120.

Allele frequency attached by ClinVar (database versions not stated): TOPMed below 0.00001; gnomAD 0.00001.
gnomAD v4.1: 3 of 1,614,078 alleles (0.00019%); highest among the groups gnomAD compares: African/African-American, 0.004%; no homozygotes.

Submission:

Labcorp Genetics (formerly Invitae), Labcorp
Classification: Uncertain significance for Arthrogryposis, distal, type 1A. Last evaluated: 2023-07-03. Review status: criteria provided, single submitter. Criteria: Invitae Variant Classification Sherloc (09022015). Collection method: clinical testing. Allele origin: germline.
Comment: This variant is present in population databases (rs759495779, gnomAD 0.008%). This variant has not been reported in the literature in individuals affected with TPM2-related conditions. Algorithms developed to predict the effect of sequence changes on RNA splicing suggest that this variant may create or strengthen a splice site. In summary, the available evidence is currently insufficient to determine the role of this variant in disease. Therefore, it has been classified as a Variant of Uncertain Significance. This sequence change falls in intron 5 of the TPM2 gene. It does not directly change the encoded amino acid sequence of the TPM2 protein.